The following is an entry in ClinVar:

ClinVar aggregate classification (germline): Uncertain significance. Review status: criteria provided, multiple submitters, no conflicts (2 of 4 stars). 4 submissions from 4 submitters: Uncertain significance (4). Last evaluated 2025-07-15.

Conditions:
Inborn genetic diseases. Identifiers: MedGen C0950123, MeSH D030342.
Familial sleep-related hypermotor epilepsy. Also called: Autosomal Dominant Sleep-Related Hypermotor (Hyperkinetic) Epilepsy. Identifiers: Orphanet 98784, MedGen C3696898, MONDO:0000030.
Autosomal dominant nocturnal frontal lobe epilepsy 3. Also called: CHRNB2-Related Nocturnal Frontal Lobe Epilepsy, Autosomal Dominant. Identifiers: Orphanet 98784, MedGen C1854335, MONDO:0011545, OMIM 605375.

Allele frequency attached by ClinVar (database versions not stated): TOPMed 0.00006; gnomAD 0.00001.
gnomAD v4.1: 4 of 1,537,572 alleles (0.00026%); highest among the groups gnomAD compares: Admixed American, 0.0079%; no homozygotes.

Submissions (4):

Labcorp Genetics (formerly Invitae), Labcorp
Classification: Uncertain significance. Last evaluated: 2025-07-15. Review status: criteria provided, single submitter. Criteria: Invitae Variant Classification Sherloc (09022015). Collection method: clinical testing. Allele origin: germline.
Comment: This sequence change replaces serine, which is neutral and polar, with arginine, which is basic and polar, at codon 440 of the CHRNB2 protein (p.Ser440Arg). This variant is not present in population databases (gnomAD no frequency). This variant has not been reported in the literature in individuals affected with CHRNB2-related conditions. ClinVar contains an entry for this variant (Variation ID: 392288). Invitae Evidence Modeling of protein sequence and biophysical properties (such as structural, functional, and spatial information, amino acid conservation, physicochemical variation, residue mobility, and thermodynamic stability) indicates that this missense variant is not expected to disrupt CHRNB2 protein function with a negative predictive value of 80%. In summary, the available evidence is currently insufficient to determine the role of this variant in disease. Therefore, it has been classified as a Variant of Uncertain Significance.

New York Genome Center
Classification: Uncertain significance for Autosomal dominant nocturnal frontal lobe epilepsy 3. Last evaluated: 2020-05-26. Review status: criteria provided, single submitter. Criteria: NYGC Assertion Criteria 2020. Collection method: clinical testing. Allele origin: germline. Inheritance: Autosomal dominant inheritance. Observed: 1 heterozygote. Study: CSER-NYCKidSeq.

Ambry Genetics
Classification: Uncertain significance for Inborn genetic diseases. Last evaluated: 2018-06-12. Review status: criteria provided, single submitter. Criteria: Ambry Variant Classification Scheme 2023. Collection method: clinical testing. Allele origin: germline.
Comment: The p.S440R variant (also known as c.1320C>A), located in coding exon 5 of the CHRNB2 gene, results from a C to A substitution at nucleotide position 1320. The serine at codon 440 is replaced by arginine, an amino acid with dissimilar properties. This amino acid position is not well conserved in available vertebrate species. In addition, this alteration is predicted to be tolerated by in silico analysis. Since supporting evidence is limited at this time, the clinical significance of this alteration remains unclear.

GeneDx
Classification: Uncertain significance. Last evaluated: 2018-04-11. Review status: criteria provided, single submitter. Criteria: GeneDx Variant Classification (06012015). Collection method: clinical testing. Allele origin: germline. Affected: yes.
Comment: The S440R variant has not been published as a pathogenic variant, nor has it been reported as a benign variant to our knowledge. The S440R variant is not observed in large population cohorts (Lek et al., 2016). The S440R variant is a semi-conservative amino acid substitution, which may impact secondary protein structure as these residues differ in some properties. In-silico analyses, including protein predictors and evolutionary conservation, support a deleterious effect. However, this amino acid substitution is not predicted to occur within the transmembrane region of the protein, where the vast majority of pathogenic missense variants have been identified in association with epilepsy (Steinlein and Bertrand, 2010). Therefore, based on the currently available information, it is unclear whether this variant is a pathogenic variant or a rare benign variant.

NM_000748.3(CHRNB2):c.1320C>A (p.Ser440Arg)

Gene: CHRNB2 (cholinergic receptor nicotinic beta 2 subunit; plus strand). Cytogenetic location: 1q21.3.
Variant type: single nucleotide variant.
Coding change: c.1320C>A on transcript NM_000748.3 (MANE Select); coding-DNA position 1320, C replaced by A.
Protein change: p.Ser440Arg; replaces serine 440 with arginine.
Molecular consequence: missense variant.
Genome position (GRCh38, 1-based): chr1:154,572,143, C>A. VCF-style: chr1-154572143-C-A. GRCh37 (hg19) VCF-style: chr1-154544619-C-A.
Other names: short protein forms S440R.
Identifiers: ClinVar variation 392288 (VCV000392288.9), dbSNP rs1049048240, ClinGen allele CA16603411.